The following is an entry in ClinVar:

NM_032888.4(COL27A1):c.697_707del (p.Arg233fs)

Gene: COL27A1 (collagen type XXVII alpha 1 chain; plus strand). Cytogenetic location: 9q32.
Variant type: Deletion.
Coding change: c.697_707del on transcript NM_032888.4 (MANE Select); coding-DNA positions 697 to 707, 11 bases deleted (AGGAAGCAGTG).
Protein change: p.Arg233fs; shifts the reading frame from arginine 233.
Molecular consequence: frameshift variant.
Genome position (GRCh38, 1-based): chr9:114,168,252-114,168,262, AGGAAGCAGTG deleted; deleting any 11 consecutive bases within chr9:114,168,250-114,168,262 gives the same sequence; the c. name uses the placement nearest the transcript's 3' end. VCF-style (leftmost placement, unchanged base first): chr9-114168249-CTGAGGAAGCAG-C. GRCh37 (hg19) VCF-style: chr9-116930529-CTGAGGAAGCAG-C.
Other names: short protein forms R233fs.
Identifiers: ClinVar variation 1069452 (VCV001069452.7), dbSNP rs2135075507, ClinGen allele CA2499219577.

ClinVar aggregate classification (germline): Pathogenic (1 of 4 stars; one submission).

Submission:

Labcorp Genetics (formerly Invitae), Labcorp
Classification: Pathogenic. Last evaluated: 2020-08-04. Review status: criteria provided, single submitter. Criteria: Invitae Variant Classification Sherloc (09022015). Collection method: clinical testing. Allele origin: germline.
Comment: For these reasons, this variant has been classified as Pathogenic. Loss-of-function variants in COL27A1 are known to be pathogenic (PMID: 24986830, 28276056). This variant has not been reported in the literature in individuals with COL27A1-related conditions. This variant is not present in population databases (ExAC no frequency). This sequence change creates a premature translational stop signal (p.Arg233Trpfs*4) in the COL27A1 gene. It is expected to result in an absent or disrupted protein product.

Literature cited by the submitters: PubMed 24986830; PubMed 28276056.